The following is an entry in ClinVar:

NM_000254.3(MTR):c.179C>G (p.Ala60Gly)

Gene: MTR (5-methyltetrahydrofolate-homocysteine methyltransferase; plus strand). Cytogenetic location: 1q43.
Variant type: single nucleotide variant.
Coding change: c.179C>G on transcript NM_000254.3 (MANE Select); coding-DNA position 179, C replaced by G.
Protein change: p.Ala60Gly; replaces alanine 60 with glycine.
Molecular consequence: missense variant. On other transcripts: 5 prime UTR variant (1).
Genome position (GRCh38, 1-based): chr1:236,803,572, C>G. VCF-style: chr1-236803572-C-G. GRCh37 (hg19) VCF-style: chr1-236966872-C-G.
Other names: c.179C>G, p.Ala60Gly (NM_001291939.1); c.-930C>G (NM_001291940.2); short protein forms A60G.
Identifiers: ClinVar variation 1425461 (VCV001425461.3), dbSNP rs775827591, ClinGen allele CA1473647.

ClinVar aggregate classification (germline): Uncertain significance (1 of 4 stars; one submission).

Conditions:
Methylcobalamin deficiency type cblG (HMAG). Also called: HOMOCYSTINURIA-MEGALOBLASTIC ANEMIA DUE TO DEFECT IN COBALAMIN METABOLISM, cblG COMPLEMENTATION TYPE; HOMOCYSTINURIA-MEGALOBLASTIC ANEMIA, cblG COMPLEMENTATION TYPE; HOMOCYSTINURIA-MEGALOBLASTIC ANEMIA, cblG TYPE; Functional methionine synthase deficiency type cblG. Identifiers: Orphanet 2170, Orphanet 622, MedGen C1855128, MONDO:0009609, OMIM 250940.

Allele frequency attached by ClinVar (database versions not stated): TOPMed below 0.00001; gnomAD exomes 0.00001 and 0.00002; ExAC 0.00002.
gnomAD v4.1: 6 of 1,614,142 alleles (0.00037%); highest among the groups gnomAD compares: Admixed American, 0.01%; no homozygotes.

Submission:

Labcorp Genetics (formerly Invitae), Labcorp
Classification: Uncertain significance for Methylcobalamin deficiency type cblG. Last evaluated: 2022-07-12. Review status: criteria provided, single submitter. Criteria: Invitae Variant Classification Sherloc (09022015). Collection method: clinical testing. Allele origin: germline.
Comment: This sequence change replaces alanine, which is neutral and non-polar, with glycine, which is neutral and non-polar, at codon 60 of the MTR protein (p.Ala60Gly). This variant is present in population databases (rs775827591, gnomAD 0.02%). This variant has not been reported in the literature in individuals affected with MTR-related conditions. ClinVar contains an entry for this variant (Variation ID: 1425461). Algorithms developed to predict the effect of missense changes on protein structure and function (SIFT, PolyPhen-2, Align-GVGD) all suggest that this variant is likely to be tolerated. In summary, the available evidence is currently insufficient to determine the role of this variant in disease. Therefore, it has been classified as a Variant of Uncertain Significance.